The following is an entry in ClinVar:

NM_024675.4(PALB2):c.1704A>C (p.Gln568His)

Gene: PALB2 (partner and localizer of BRCA2; minus strand). Cytogenetic location: 16p12.2.
Variant type: single nucleotide variant.
Coding change: c.1704A>C on transcript NM_024675.4 (MANE Select); coding-DNA position 1704, A replaced by C.
Protein change: p.Gln568His; replaces glutamine 568 with histidine.
Molecular consequence: missense variant.
Genome position (GRCh38, 1-based): chr16:23,630,450, T>G on the plus strand (A>C on the coding strand, the complement: PALB2 is on the minus strand). VCF-style: chr16-23630450-T-G. GRCh37 (hg19) VCF-style: chr16-23641771-T-G.
Other names: short protein forms Q568H.
Identifiers: ClinVar variation 230634 (VCV000230634.18), dbSNP rs876658676, ClinGen allele CA10580000.

ClinVar aggregate classification (germline): Conflicting classifications of pathogenicity. Review status: criteria provided, conflicting classifications (1 of 4 stars). 2 submissions from 2 submitters: Uncertain significance (1); Likely benign (1). Last evaluated 2026-06-10.

Conditions:
Hereditary cancer-predisposing syndrome. Also called: Neoplastic Syndromes, Hereditary; Hereditary Cancer Syndrome; Tumor predisposition; Hereditary neoplastic syndrome. Identifiers: Orphanet 140162, MedGen C0027672, MeSH D009386, MONDO:0015356.
Familial cancer of breast. Also called: hereditary breast carcinoma; BREAST CANCER, FAMILIAL; Hereditary breast cancer. Identifiers: Orphanet 227535, MedGen C0346153, MONDO:0016419, OMIM 114480. Disease mechanism: loss of function.

Allele frequency attached by ClinVar (database versions not stated): gnomAD exomes below 0.00001.
gnomAD v4.1: 2 of 1,613,090 alleles (0.00012%); highest among the groups gnomAD compares: Non-Finnish European, 0.00017%; no homozygotes.

Submissions (2):

Ambry Genetics
Classification: Likely benign for Hereditary cancer-predisposing syndrome. Last evaluated: 2026-06-10. Review status: criteria provided, single submitter. Criteria: Ambry Variant Classification Scheme 2023. Collection method: clinical testing. Allele origin: germline.

Labcorp Genetics (formerly Invitae), Labcorp
Classification: Uncertain significance for Familial cancer of breast. Last evaluated: 2022-08-27. Review status: criteria provided, single submitter. Criteria: Invitae Variant Classification Sherloc (09022015). Collection method: clinical testing. Allele origin: germline.
Comment: Algorithms developed to predict the effect of missense changes on protein structure and function output the following: SIFT: "Tolerated"; PolyPhen-2: "Benign"; Align-GVGD: "Class C0". The histidine amino acid residue is found in multiple mammalian species, which suggests that this missense change does not adversely affect protein function. This sequence change replaces glutamine, which is neutral and polar, with histidine, which is basic and polar, at codon 568 of the PALB2 protein (p.Gln568His). This variant is present in population databases (no rsID available, gnomAD 0.0009%). This variant has not been reported in the literature in individuals affected with PALB2-related conditions. ClinVar contains an entry for this variant (Variation ID: 230634). In summary, the available evidence is currently insufficient to determine the role of this variant in disease. Therefore, it has been classified as a Variant of Uncertain Significance.

Literature cited by the submitters: PubMed 29522266 (cited by Ambry Genetics).